The following is an entry in ClinVar:

ClinVar aggregate classification (germline): Benign/Likely benign. Review status: criteria provided, multiple submitters, no conflicts (2 of 4 stars). 3 submissions from 3 submitters: Benign (1); Likely benign (2). Last evaluated 2025-02-26.

Conditions:
Multiple endocrine neoplasia type 2A. Also called: MULTIPLE ENDOCRINE NEOPLASIA, TYPE IIA; PTC SYNDROME; SIPPLE SYNDROME; MEN 2A; MEN-2A syndrome; Pheochromocytoma and amyloid producing medullary thyroid carcinoma. Identifiers: Orphanet 247698, Orphanet 653, MedGen C0025268, MeSH D018813, MONDO:0008234, OMIM 171400.
Hereditary cancer-predisposing syndrome. Also called: Hereditary neoplastic syndrome; Neoplastic Syndromes, Hereditary; Tumor predisposition; Hereditary Cancer Syndrome. Identifiers: Orphanet 140162, MedGen C0027672, MeSH D009386, MONDO:0015356.
Multiple endocrine neoplasia, type 2 (MEN2). Identifiers: Orphanet 653, MedGen C4048306, MONDO:0019003. Disease mechanism: gain of function.

Allele frequency attached by ClinVar (database versions not stated): gnomAD exomes below 0.00001; gnomAD 0.00001; TOPMed 0.00001.
gnomAD v4.1: 3 of 1,612,054 alleles (0.00019%); highest among the groups gnomAD compares: Non-Finnish European, 0.00017%; no homozygotes.

Submissions (3):

Myriad Genetics, Inc.
Classification: Benign for Multiple endocrine neoplasia type 2A. Last evaluated: 2025-02-26. Review status: criteria provided, single submitter. Criteria: Myriad Autosomal Dominant, Autosomal Recessive and X-Linked Classification Criteria (2023). Collection method: clinical testing. Allele origin: unknown.
Comment: This variant is considered benign. This variant is a silent/synonymous amino acid change and it is not expected to impact splicing.

Ambry Genetics
Classification: Likely benign for Hereditary cancer-predisposing syndrome. Last evaluated: 2021-10-30. Review status: criteria provided, single submitter. Criteria: Ambry Variant Classification Scheme 2023. Collection method: clinical testing. Allele origin: germline.

Labcorp Genetics (formerly Invitae), Labcorp
Classification: Likely benign for Multiple endocrine neoplasia, type 2. Last evaluated: 2020-06-16. Review status: criteria provided, single submitter. Criteria: Invitae Variant Classification Sherloc (09022015). Collection method: clinical testing. Allele origin: germline.

NM_020975.6(RET):c.2073T>C (p.Gly691=)

Gene: RET (ret proto-oncogene; plus strand). Cytogenetic location: 10q11.21.
Variant type: single nucleotide variant.
Coding change: c.2073T>C on transcript NM_020975.6 (MANE Select); coding-DNA position 2073, T replaced by C.
Protein change: p.Gly691=; no amino-acid change (glycine 691 retained).
Molecular consequence: synonymous variant.
Genome position (GRCh38, 1-based): chr10:43,114,673, T>C. VCF-style: chr10-43114673-T-C. GRCh37 (hg19) VCF-style: chr10-43610121-T-C.
Other names: c.1176T>C, p.Gly392= (NM_001406781.1, NM_001406782.1, NM_001406779.1 and 1 more transcripts); c.1047T>C, p.Gly349= (NM_001406783.1, NM_001406786.1); c.1083T>C, p.Gly361= (NM_001406784.1); c.1056T>C, p.Gly352= (NM_001406785.1); c.1041T>C, p.Gly347= (NM_001406787.1); c.888T>C, p.Gly296= (NM_001406788.1, NM_001406789.1, NM_001406790.1); c.768T>C, p.Gly256= (NM_001406791.1); c.624T>C, p.Gly208= (NM_001406792.1, NM_001406793.1, NM_001406794.1); and 10 more.
Identifiers: ClinVar variation 1126022 (VCV001126022.13), dbSNP rs1174566929, ClinGen allele CA469479956.